The following is an entry in ClinVar:

NM_000179.3(MSH6):c.2582C>T (p.Ala861Val)

Gene: MSH6 (mutS homolog 6; plus strand). Cytogenetic location: 2p16.3.
Variant type: single nucleotide variant.
Coding change: c.2582C>T on transcript NM_000179.3 (MANE Select); coding-DNA position 2582, C replaced by T.
Protein change: p.Ala861Val; replaces alanine 861 with valine.
Molecular consequence: missense variant.
Genome position (GRCh38, 1-based): chr2:47,800,565, C>T. VCF-style: chr2-47800565-C-T. GRCh37 (hg19) VCF-style: chr2-48027704-C-T.
Other names: c.2192C>T, p.Ala731Val (NM_001281492.2); c.1676C>T, p.Ala559Val (NM_001281493.2, NM_001281494.2); short protein forms A861V, A559V, A731V.
Identifiers: ClinVar variation 455207 (VCV000455207.12), dbSNP rs1553413929, ClinGen allele CA346754798.

ClinVar aggregate classification (germline): Uncertain significance. Review status: criteria provided, multiple submitters, no conflicts (2 of 4 stars). 2 submissions from 2 submitters: Uncertain significance (2). Last evaluated 2025-12-14.

Conditions:
Hereditary nonpolyposis colorectal neoplasms. Identifiers: MedGen C0009405, MeSH D003123.
Hereditary cancer-predisposing syndrome. Also called: Hereditary Cancer Syndrome; Hereditary neoplastic syndrome; Neoplastic Syndromes, Hereditary; Tumor predisposition. Identifiers: Orphanet 140162, MedGen C0027672, MeSH D009386, MONDO:0015356.

Submissions (2):

Labcorp Genetics (formerly Invitae), Labcorp
Classification: Uncertain significance for Hereditary nonpolyposis colorectal neoplasms. Last evaluated: 2025-12-14. Review status: criteria provided, single submitter. Criteria: Invitae Variant Classification Sherloc (09022015). Collection method: clinical testing. Allele origin: germline.
Comment: This sequence change replaces alanine, which is neutral and non-polar, with valine, which is neutral and non-polar, at codon 861 of the MSH6 protein (p.Ala861Val). This variant is not present in population databases (gnomAD no frequency). This missense change has been observed in individual(s) with Lynch syndrome-related cancers (PMID: 23729658). It has also been observed to segregate with disease in related individuals. ClinVar contains an entry for this variant (Variation ID: 455207). Invitae Evidence Modeling incorporating data from in vitro experimental studies (internal data) indicates that this missense variant is not expected to disrupt MSH6 function with a negative predictive value of 95%. In summary, the available evidence is currently insufficient to determine the role of this variant in disease. Therefore, it has been classified as a Variant of Uncertain Significance.

Ambry Genetics
Classification: Uncertain significance for Hereditary cancer-predisposing syndrome. Last evaluated: 2025-01-27. Review status: criteria provided, single submitter. Criteria: Ambry Variant Classification Scheme 2023. Collection method: clinical testing. Allele origin: germline.
Comment: The p.A861V variant (also known as c.2582C>T), located in coding exon 4 of the MSH6 gene, results from a C to T substitution at nucleotide position 2582. The alanine at codon 861 is replaced by valine, an amino acid with similar properties. This amino acid position is well conserved in available vertebrate species. In addition, the in silico prediction for this alteration is inconclusive. Based on the available evidence, the clinical significance of this variant remains unclear.

Literature cited by the submitters: PubMed 23729658 (cited by Labcorp Genetics (formerly Invitae), Labcorp).